The following is an entry in ClinVar:

NM_002029.4(FPR1):c.596C>T (p.Thr199Met)

Gene: FPR1 (formyl peptide receptor 1; minus strand). Cytogenetic location: 19q13.41.
Variant type: single nucleotide variant.
Coding change: c.596C>T on transcript NM_002029.4 (MANE Select); coding-DNA position 596, C replaced by T.
Protein change: p.Thr199Met; replaces threonine 199 with methionine.
Molecular consequence: missense variant.
Genome position (GRCh38, 1-based): chr19:51,746,399, G>A on the plus strand (C>T on the coding strand, the complement: FPR1 is on the minus strand). VCF-style: chr19-51746399-G-A. GRCh37 (hg19) VCF-style: chr19-52249652-G-A.
Other names: c.596C>T, p.Thr199Met (NM_001193306.2); short protein forms T199M.
Identifiers: ClinVar variation 946253 (VCV000946253.11), dbSNP rs748893408, ClinGen allele CA9616423.
Genomic context (GRCh38, chr19:51,746,399, plus strand): 5'-ACAGCAACGATGGACATGGGTGCGCTGAAGCCAATGATGAACCGGATGATGCCTCTCACC[G>A]TCAACATGGCAACGGCCACATTTATCCTCTCTTTAGGGTCGTTGGTCCAGGGCGAAAAGT-3'
Protein context (NP_002020.1, residues 189-209): ERINVAVAML[Thr199Met]VRGIIRFIIG

ClinVar aggregate classification (germline): Uncertain significance (1 of 4 stars; one submission).

Conditions:
Gingival disorder. Also called: Gingival disease. Identifiers: MedGen C0017563, MONDO:0002021.

Allele frequency attached by ClinVar (database versions not stated): gnomAD exomes 0.00001 and 0.00002; ExAC 0.00002.
gnomAD v4.1: 26 of 1,614,162 alleles (0.0016%); highest among the groups gnomAD compares: South Asian, 0.0066%; 1 homozygote.

Submission:

Labcorp Genetics (formerly Invitae), Labcorp
Classification: Uncertain significance for Gingival disorder. Last evaluated: 2025-07-25. Review status: criteria provided, single submitter. Criteria: Invitae Variant Classification Sherloc (09022015). Collection method: clinical testing. Allele origin: germline.
Comment: This sequence change replaces threonine, which is neutral and polar, with methionine, which is neutral and non-polar, at codon 199 of the FPR1 protein (p.Thr199Met). This variant is present in population databases (rs748893408, gnomAD 0.006%). This variant has not been reported in the literature in individuals affected with FPR1-related conditions. ClinVar contains an entry for this variant (Variation ID: 946253). An algorithm developed to predict the effect of missense changes on protein structure and function outputs the following: PolyPhen-2: "Benign". The methionine amino acid residue is found in multiple mammalian species, which suggests that this missense change does not adversely affect protein function. In summary, the available evidence is currently insufficient to determine the role of this variant in disease. Therefore, it has been classified as a Variant of Uncertain Significance.